The following is an entry in ClinVar:

NM_015631.6(TCTN3):c.1590+123T>C

Gene: TCTN3 (tectonic family member 3; minus strand). Cytogenetic location: 10q24.1.
Variant type: single nucleotide variant.
Coding change: c.1590+123T>C on transcript NM_015631.6 (MANE Select); 123 bases into the intron after coding-DNA position 1590, T replaced by C.
Molecular consequence: intron variant.
Genome position (GRCh38, 1-based): chr10:95,680,349, A>G on the plus strand (T>C on the coding strand, the complement: TCTN3 is on the minus strand). VCF-style: chr10-95680349-A-G. GRCh37 (hg19) VCF-style: chr10-97440106-A-G.
Other names: c.1146+123T>C (NM_001143973.2).
Identifiers: ClinVar variation 676677 (VCV000676677.2), dbSNP rs771299869, ClinGen allele CA211801198.

ClinVar aggregate classification (germline): Benign. Review status: criteria provided, multiple submitters, no conflicts (2 of 4 stars). 2 submissions from 2 submitters: Benign (2). Last evaluated 2018-06-19.

Allele frequency attached by ClinVar (database versions not stated): TOPMed below 0.00001; gnomAD exomes 0.33341; gnomAD 0.35091 and 0.35567; 1000 Genomes Project 30x 0.42427.
gnomAD v4.1: 425,723 of 1,263,530 alleles (34%); highest among the groups gnomAD compares: East Asian, 65%; 75,734 homozygotes.

Submissions (2):

GeneDx
Classification: Benign. Last evaluated: 2018-06-19. Review status: criteria provided, single submitter. Criteria: GeneDx Variant Classification (06012015). Collection method: clinical testing. Allele origin: germline. Affected: yes.
Comment: This variant is considered likely benign or benign based on one or more of the following criteria: it is a conservative change, it occurs at a poorly conserved position in the protein, it is predicted to be benign by multiple in silico algorithms, and/or has population frequency not consistent with disease.

Breakthrough Genomics
Classification: Benign. Review status: criteria provided, single submitter. Criteria: ACMG Guidelines, 2015. Collection method: not provided. Allele origin: germline. Inheritance: Autosomal recessive inheritance. Affected: yes.